The following is an entry in ClinVar:

ClinVar aggregate classification (germline): Uncertain significance (1 of 4 stars; one submission).

Conditions:
Early-infantile DEE. Also called: Early infantile epileptic encephalopathy; Ohtahara syndrome; Early infantile epileptic encephalopathy with suppression bursts. Identifiers: Orphanet 1934, MedGen C0393706, MONDO:0800491.

Allele frequency attached by ClinVar (database versions not stated): gnomAD exomes below 0.00001.

Submission:

Labcorp Genetics (formerly Invitae), Labcorp
Classification: Uncertain significance for Early-infantile DEE. Last evaluated: 2021-10-13. Review status: criteria provided, single submitter. Criteria: Invitae Variant Classification Sherloc (09022015). Collection method: clinical testing. Allele origin: germline.
Comment: In summary, the available evidence is currently insufficient to determine the role of this variant in disease. Therefore, it has been classified as a Variant of Uncertain Significance. Advanced modeling of protein sequence and biophysical properties (such as structural, functional, and spatial information, amino acid conservation, physicochemical variation, residue mobility, and thermodynamic stability) performed at Invitae indicates that this missense variant is expected to disrupt SCN1A protein function. This variant has not been reported in the literature in individuals affected with SCN1A-related conditions. This variant is not present in population databases (ExAC no frequency). This sequence change replaces methionine with threonine at codon 1889 of the SCN1A protein (p.Met1889Thr). The methionine residue is highly conserved and there is a moderate physicochemical difference between methionine and threonine.

NM_001165963.4(SCN1A):c.5666T>C (p.Met1889Thr)

Genes: SCN1A (sodium voltage-gated channel alpha subunit 1; minus strand), LOC102724058 (uncharacterized LOC102724058; plus strand). Cytogenetic location: 2q24.3.
Variant type: single nucleotide variant.
Coding change: c.5666T>C on transcript NM_001165963.4 (MANE Select); coding-DNA position 5666, T replaced by C.
Protein change: p.Met1889Thr; replaces methionine 1889 with threonine.
Molecular consequence: missense variant. On other transcripts: non-coding transcript variant (1).
Genome position (GRCh38, 1-based): chr2:165,991,609, A>G on the plus strand (T>C on the coding strand, the complement: SCN1A is on the minus strand). VCF-style: chr2-165991609-A-G. GRCh37 (hg19) VCF-style: chr2-166848119-A-G.
Other names: c.5582T>C, p.Met1861Thr (NM_001165964.3, NM_001353957.2, NM_001353958.2); c.5666T>C, p.Met1889Thr (NM_001202435.3, NM_001353948.2); c.5633T>C, p.Met1878Thr (NM_001353949.2, NM_001353950.2, NM_001353951.2 and 2 more transcripts); c.5630T>C, p.Met1877Thr (NM_001353954.2, NM_001353955.2); c.5579T>C, p.Met1860Thr (NM_001353960.2); c.3224T>C, p.Met1075Thr (NM_001353961.2); short protein forms M1075T, M1860T, M1877T, M1878T, M1889T, M1861T.
Identifiers: ClinVar variation 1506797 (VCV001506797.7), dbSNP rs1197551054, ClinGen allele CA349064927.